The following is an entry in ClinVar:

NM_006129.5(BMP1):c.1443+12G>C

Genes: BMP1 (bone morphogenetic protein 1; plus strand), LOC113788269 (BRD4-independent group 4 enhancer GRCh37_chr8:22052064-22053263; plus strand). Cytogenetic location: 8p21.3.
Variant type: single nucleotide variant.
Coding change: c.1443+12G>C on transcript NM_006129.5 (MANE Select); 12 bases into the intron after coding-DNA position 1443, G replaced by C.
Molecular consequence: intron variant.
Genome position (GRCh38, 1-based): chr8:22,194,602, G>C. VCF-style: chr8-22194602-G-C. GRCh37 (hg19) VCF-style: chr8-22052115-G-C.
Other names: c.1443+12G>C (NM_001199.4).
Identifiers: ClinVar variation 362583 (VCV000362583.18), dbSNP rs181328614, ClinGen allele CA4664668.
Genomic context (GRCh38, chr8:22,194,602, plus strand): 5'-CCAGGTGTCTGAGGGCTTCCACGTGGGCCTCACATTCCAGTCCTTTGAGGTAGGTCAGTG[G>C]CCCTGTGATCTGACCTTTGAATCCAGCAGTTGCTCCCTGGGACAGCTGCCTCTCTTTGGG-3'

ClinVar aggregate classification (germline): Benign/Likely benign. Review status: criteria provided, multiple submitters, no conflicts (2 of 4 stars). 5 submissions from 5 submitters: Benign (2); Likely benign (3). Last evaluated 2026-01-28.

Conditions:
Osteogenesis imperfecta type 13. Also called: OI, TYPE XIII; Osteogenesis imperfecta, type xiii. Identifiers: Orphanet 666, MedGen C3553887, MONDO:0013924, OMIM 614856.

Allele frequency attached by ClinVar (database versions not stated): ESP Exome Variant Server 0.00038; gnomAD 0.00140; TOPMed 0.00305; 1000 Genomes Project 0.00439; 1000 Genomes Project 30x 0.00453; ExAC 0.00506.
gnomAD v4.1: 2,504 of 1,613,846 alleles (0.16%); highest among the groups gnomAD compares: Admixed American, 3.9%; 79 homozygotes.

Submissions (5):

Labcorp Genetics (formerly Invitae), Labcorp
Classification: Benign. Last evaluated: 2026-01-28. Review status: criteria provided, single submitter. Criteria: Invitae Variant Classification Sherloc (09022015). Collection method: clinical testing. Allele origin: germline.

ARUP Laboratories, Molecular Genetics and Genomics, ARUP Laboratories
Classification: Benign for Osteogenesis imperfecta type 13. Last evaluated: 2025-01-13. Review status: criteria provided, single submitter. Criteria: ARUP Molecular Germline Variant Investigation Process 2024. Collection method: clinical testing. Allele origin: germline.

GeneDx
Classification: Likely benign. Last evaluated: 2018-07-05. Review status: criteria provided, single submitter. Criteria: GeneDx Variant Classification Process June 2021. Collection method: clinical testing. Allele origin: germline. Affected: yes.

Illumina Laboratory Services, Illumina
Classification: Likely benign for Osteogenesis imperfecta type 13. Last evaluated: 2017-04-27. Review status: criteria provided, single submitter. Criteria: ICSL Variant Classification Criteria 13 December 2019. Collection method: clinical testing. Allele origin: germline.
Comment: This variant was observed as part of a predisposition screen in an ostensibly healthy population. A literature search was performed for the gene, cDNA change, and amino acid change (where applicable). No publications were found based on this search. Allele frequency data from public databases allowed determination this variant is unlikely to cause disease. Therefore, this variant is classified as likely benign.

Breakthrough Genomics
Classification: Likely benign. Review status: criteria provided, single submitter. Criteria: ACMG Guidelines, 2015. Collection method: not provided. Allele origin: germline. Inheritance: Autosomal recessive inheritance. Affected: yes.